The following is an entry in ClinVar:

NM_002734.5(PRKAR1A):c.951del (p.Arg317fs)

Gene: PRKAR1A (protein kinase cAMP-dependent type I regulatory subunit alpha; plus strand). Cytogenetic location: 17q24.2.
Variant type: Deletion.
Coding change: c.951del on transcript NM_002734.5 (MANE Select); coding-DNA position 951, one base deleted (A; older notation c.951delA).
Protein change: p.Arg317fs; shifts the reading frame from arginine 317.
Molecular consequence: frameshift variant.
Genome position (GRCh38, 1-based): chr17:68,529,979, A deleted. VCF-style (leftmost placement, unchanged base first): chr17-68529978-GA-G. GRCh37 (hg19) VCF-style: chr17-66526119-GA-G.
Other names: c.951del, p.Arg317fs (NM_001276289.2, NM_001276290.1, NM_001278433.2 and 4 more transcripts); short protein forms R317fs.
Identifiers: ClinVar variation 372475 (VCV000372475.2), dbSNP rs1057517805, ClinGen allele CA16043035.

ClinVar aggregate classification (germline): Pathogenic (1 of 4 stars; one submission).

Submission:

GeneDx
Classification: Pathogenic. Last evaluated: 2016-06-22. Review status: criteria provided, single submitter. Criteria: GeneDx Variant Classification (06012015). Collection method: clinical testing. Allele origin: germline. Affected: yes.
Comment: The c.951delA variant has been previously reported in association with Carney Complex (Sandrini et al., 2003; Bertherat et al., 2009; Horvath et al., 2010). The deletion causes a frameshift starting with codon Arginine 317, changes this amino acid to a Serine residue and creates a premature Stop codon at position 14 of the new reading frame, denoted p.Arg317SerfsX14. This variant is predicted to cause loss of normal protein function as the last 65 amino acids are replaced wtih 13 aberrant amino acids. In addition, the c.951delA variant was not observed in approximately 6,500 individuals of European and African American ancestry by the NHLBI Exome Sequencing Project. Although this variant has not been previously reported to our knowledge, we interpret c.951delA as a pathogenic variant.